The following is an entry in ClinVar:

NM_025136.3(OPA3):c.*24137T>G

Genes: OPA3 (outer mitochondrial membrane lipid metabolism regulator OPA3; minus strand), OPA3-RTN2 (OPA3-RTN2 readthrough; minus strand). Cytogenetic location: 19q13.32.
Variant type: single nucleotide variant.
Coding change: c.*24137T>G on transcript NM_025136.3; 24137 bases downstream of the stop codon, T replaced by G.
Molecular consequence: synonymous variant (on NM_001017989.3).
Genome position (GRCh38, 1-based): chr19:45,529,377, A>C on the plus strand (T>G on the coding strand, the complement: OPA3 is on the minus strand). VCF-style: chr19-45529377-A-C. GRCh37 (hg19) VCF-style: chr19-46032635-A-C.
Other names: c.222T>G, p.Gly74= (NM_001017989.3).
Identifiers: ClinVar variation 381038 (VCV000381038.3), dbSNP rs1057520935, ClinGen allele CA16609006.

ClinVar aggregate classification (germline): Likely benign (1 of 4 stars; one submission).

Allele frequency attached by ClinVar (database versions not stated): TOPMed 0.00001.
gnomAD v4.1: 1 of 1,614,174 alleles (0.000062%); no homozygotes.

Submission:

GeneDx
Classification: Likely benign. Last evaluated: 2017-04-28. Review status: criteria provided, single submitter. Criteria: GeneDx Variant Classification (06012015). Collection method: clinical testing. Allele origin: germline. Affected: yes.
Comment: This variant is considered likely benign or benign based on one or more of the following criteria: it is a conservative change, it occurs at a poorly conserved position in the protein, it is predicted to be benign by multiple in silico algorithms, and/or has population frequency not consistent with disease.